The following is an entry in ClinVar:

ClinVar aggregate classification (germline): Uncertain significance (1 of 4 stars; one submission).

Submission:

GeneDx
Classification: Uncertain significance. Last evaluated: 2019-11-01. Review status: criteria provided, single submitter. Criteria: GeneDx Variant Classification Process June 2021. Collection method: clinical testing. Allele origin: germline. Affected: yes.
Comment: Not observed in large population cohorts (Lek et al., 2016); In silico analysis, which includes protein predictors and evolutionary conservation, supports a deleterious effect; Has not been previously published as pathogenic or benign to our knowledge

NM_007118.4(TRIO):c.4874T>C (p.Leu1625Pro)

Genes: TRIO (trio Rho guanine nucleotide exchange factor; plus strand), LOC126807322 (P300/CBP strongly-dependent group 1 enhancer GRCh37_chr5:14406263-14407462; plus strand). Cytogenetic location: 5p15.2.
Variant type: single nucleotide variant.
Coding change: c.4874T>C on transcript NM_007118.4 (MANE Select); coding-DNA position 4874, T replaced by C.
Protein change: p.Leu1625Pro; replaces leucine 1625 with proline.
Molecular consequence: missense variant. On other transcripts: non-coding transcript variant (1).
Genome position (GRCh38, 1-based): chr5:14,406,587, T>C. VCF-style: chr5-14406587-T-C. GRCh37 (hg19) VCF-style: chr5-14406696-T-C.
Other names: short protein forms L1625P.
Identifiers: ClinVar variation 1309783 (VCV001309783.2), dbSNP rs2152380846, ClinGen allele CA359199106.